The following is an entry in ClinVar:

ClinVar aggregate classification (germline): Conflicting classifications of pathogenicity. Review status: criteria provided, conflicting classifications (1 of 4 stars). 4 submissions from 4 submitters: Uncertain significance (2); Likely benign (2). Last evaluated 2026-03-27.

Conditions:
Cardiovascular phenotype. Identifiers: MedGen CN230736.
Cardiomyopathy (CMYO). Also called: Cardiomyopathies. Identifiers: Orphanet 167848, MedGen C0878544, MONDO:0004994, HP:0001638. Inheritance: Various modes of inheritance.

gnomAD v4.1: 3 of 1,613,726 alleles (0.00019%); highest among the groups gnomAD compares: African/African-American, 0.0013%; no homozygotes.

Submissions (4):

Molecular Diagnostic Laboratory for Inherited Cardiovascular Disease, Montreal Heart Institute
Classification: Likely benign. Last evaluated: 2026-03-27. Review status: criteria provided, single submitter. Criteria: ACMG Guidelines, 2015. Collection method: clinical testing. Allele origin: germline. Affected: no.
Comment: BP1

Women's Health and Genetics/Laboratory Corporation of America, LabCorp
Classification: Uncertain significance. Last evaluated: 2025-02-21. Review status: criteria provided, single submitter. Criteria: LabCorp Variant Classification Summary - May 2015. Collection method: clinical testing. Allele origin: germline.
Comment: Variant summary: TTN c.78092G>C (p.Arg26031Pro) results in a non-conservative amino acid change in the encoded protein sequence. Two of three in-silico tools predict a damaging effect of the variant on protein function. The variant allele was found at a frequency of 4e-06 in 248646 control chromosomes. The available data on variant occurrences in the general population are insufficient to allow any conclusion about variant significance. To our knowledge, no occurrence of c.78092G>C in individuals affected with TTN-related conditions and no experimental evidence demonstrating its impact on protein function have been reported. ClinVar contains an entry for this variant (Variation ID: 1750143). Based on the evidence outlined above, the variant was classified as uncertain significance.

CHEO Genetics Diagnostic Laboratory, Children's Hospital of Eastern Ontario
Classification: Likely benign for Cardiomyopathy. Last evaluated: 2023-05-16. Review status: criteria provided, single submitter. Criteria: ACMG Guidelines, 2015. Collection method: clinical testing. Allele origin: germline.

Ambry Genetics
Classification: Uncertain significance for Cardiovascular phenotype. Last evaluated: 2018-01-02. Review status: criteria provided, single submitter. Criteria: Ambry Variant Classification Scheme 2023. Collection method: clinical testing. Allele origin: germline.
Comment: The p.R19534P variant (also known as c.58601G>C), located in coding exon 153 of the TTN gene, results from a G to C substitution at nucleotide position 58601. The arginine at codon 19534 is replaced by proline, an amino acid with dissimilar properties. This amino acid position is highly conserved in available vertebrate species. In addition, the in silico prediction for this alteration is inconclusive. Since supporting evidence is limited at this time, the clinical significance of this alteration remains unclear.

NM_001267550.2(TTN):c.85796G>C (p.Arg28599Pro)

Genes: TTN (titin; minus strand), TTN-AS1 (TTN antisense RNA 1; plus strand). Cytogenetic location: 2q31.2.
Variant type: single nucleotide variant.
Coding change: c.85796G>C on transcript NM_001267550.2 (MANE Select); coding-DNA position 85796, G replaced by C.
Protein change: p.Arg28599Pro; replaces arginine 28599 with proline.
Molecular consequence: missense variant.
Genome position (GRCh38, 1-based): chr2:178,560,336, C>G on the plus strand (G>C on the coding strand, the complement: TTN is on the minus strand). VCF-style: chr2-178560336-C-G. GRCh37 (hg19) VCF-style: chr2-179425063-C-G.
Other names: c.80873G>C, p.Arg26958Pro (NM_001256850.1); c.58601G>C, p.Arg19534Pro (NM_003319.4); c.78092G>C, p.Arg26031Pro (NM_133378.4); c.58976G>C, p.Arg19659Pro (NM_133432.3); c.59177G>C, p.Arg19726Pro (NM_133437.4); short protein forms R19659P, R19726P, R26958P, R19534P, R26031P, R28599P.
Identifiers: ClinVar variation 1750143 (VCV001750143.5), dbSNP rs558543425, ClinGen allele CA349547885.